The following is an entry in ClinVar:

NM_025074.7(FRAS1):c.2279-9C>T

Gene: FRAS1 (Fraser extracellular matrix complex subunit 1; plus strand). Cytogenetic location: 4q21.21.
Variant type: single nucleotide variant.
Coding change: c.2279-9C>T on transcript NM_025074.7 (MANE Select); 9 bases into the intron before coding-DNA position 2279, C replaced by T.
Molecular consequence: intron variant.
Genome position (GRCh38, 1-based): chr4:78,337,665, C>T. VCF-style: chr4-78337665-C-T. GRCh37 (hg19) VCF-style: chr4-79258819-C-T.
Other names: c.2279-9C>T (NM_001166133.2, NM_025074.6).
Identifiers: ClinVar variation 3003239 (VCV003003239.4), dbSNP rs1032236393, ClinGen allele CA99958112.

ClinVar aggregate classification (germline): Likely benign. Review status: criteria provided, multiple submitters, no conflicts (2 of 4 stars). 2 submissions from 2 submitters: Likely benign (2). Last evaluated 2025-06-23.

Conditions:
FRAS1-related disorder. Also called: FRAS1-related condition.

gnomAD v4.1: 1 of 1,609,270 alleles (0.000062%); highest among the groups gnomAD compares: African/African-American, 0.0013%; no homozygotes.

Submissions (2):

PreventionGenetics, part of Exact Sciences
Classification: Likely benign for FRAS1-related condition. Last evaluated: 2025-06-23. Review status: criteria provided, single submitter. Criteria: ACMG Guidelines, 2015. Collection method: clinical testing. Allele origin: germline.
Comment: This variant is classified as likely benign based on ACMG/AMP sequence variant interpretation guidelines (Richards et al. 2015 PMID: 25741868, with internal and published modifications).

Labcorp Genetics (formerly Invitae), Labcorp
Classification: Likely benign. Last evaluated: 2023-04-06. Review status: criteria provided, single submitter. Criteria: Invitae Variant Classification Sherloc (09022015). Collection method: clinical testing. Allele origin: germline.